The following is an entry in ClinVar:

ClinVar aggregate classification (germline): Uncertain significance. Review status: criteria provided, multiple submitters, no conflicts (2 of 4 stars). 2 submissions from 2 submitters: Uncertain significance (2). Last evaluated 2026-05-28.

Conditions:
FAM111A-related disorder. Also called: FAM111A-related condition.

Allele frequency attached by ClinVar (database versions not stated): gnomAD exomes below 0.00001; TOPMed 0.00002.
gnomAD v4.1: 4 of 1,614,130 alleles (0.00025%); highest among the groups gnomAD compares: Admixed American, 0.0033%; no homozygotes.

Submissions (2):

PreventionGenetics, part of Exact Sciences
Classification: Uncertain significance for FAM111A-related condition. Last evaluated: 2026-05-28. Review status: criteria provided, single submitter. Criteria: ACMG Guidelines, 2015. Collection method: clinical testing. Allele origin: germline.
Comment: The FAM111A c.1592C>T variant is predicted to result in the amino acid substitution p.Thr531Ile. To our knowledge, this variant has not been reported in the literature. This variant is reported in 0.0058% of alleles in individuals of Latino descent in gnomAD. At this time, the clinical significance of this variant is uncertain due to the absence of conclusive functional and genetic evidence.

Labcorp Genetics (formerly Invitae), Labcorp
Classification: Uncertain significance. Last evaluated: 2024-07-30. Review status: criteria provided, single submitter. Criteria: Invitae Variant Classification Sherloc (09022015). Collection method: clinical testing. Allele origin: germline.
Comment: This sequence change replaces threonine, which is neutral and polar, with isoleucine, which is neutral and non-polar, at codon 531 of the FAM111A protein (p.Thr531Ile). This variant is present in population databases (no rsID available, gnomAD 0.006%). This variant has not been reported in the literature in individuals affected with FAM111A-related conditions. Advanced modeling of protein sequence and biophysical properties (such as structural, functional, and spatial information, amino acid conservation, physicochemical variation, residue mobility, and thermodynamic stability) performed at Invitae indicates that this missense variant is expected to disrupt FAM111A protein function with a positive predictive value of 80%. In summary, the available evidence is currently insufficient to determine the role of this variant in disease. Therefore, it has been classified as a Variant of Uncertain Significance.

NM_001312909.2(FAM111A):c.1592C>T (p.Thr531Ile)

Gene: FAM111A (FAM111 trypsin like peptidase A; plus strand). Cytogenetic location: 11q12.1.
Variant type: single nucleotide variant.
Coding change: c.1592C>T on transcript NM_001312909.2 (MANE Select); coding-DNA position 1592, C replaced by T.
Protein change: p.Thr531Ile; replaces threonine 531 with isoleucine.
Molecular consequence: missense variant.
Genome position (GRCh38, 1-based): chr11:59,153,260, C>T. VCF-style: chr11-59153260-C-T. GRCh37 (hg19) VCF-style: chr11-58920733-C-T.
Other names: c.1592C>T, p.Thr531Ile (NM_001142519.3, NM_001142520.3, NM_001142521.3 and 29 more transcripts); c.1592C>T (NM_022074.3); short protein forms T531I.
Identifiers: ClinVar variation 2880356 (VCV002880356.4), dbSNP rs1434152011, ClinGen allele CA380788639.